The following is an entry in ClinVar:

NM_020366.4(RPGRIP1):c.898del (p.Val300fs)

Gene: RPGRIP1 (RPGR interacting protein 1; plus strand). Cytogenetic location: 14q11.2.
Variant type: Deletion.
Coding change: c.898del on transcript NM_020366.4 (MANE Select); coding-DNA position 898, one base deleted (G; older notation c.898delG).
Protein change: p.Val300fs; shifts the reading frame from valine 300.
Molecular consequence: frameshift variant.
Genome position (GRCh38, 1-based): chr14:21,307,828, G deleted. VCF-style (leftmost placement, unchanged base first): chr14-21307827-AG-A. GRCh37 (hg19) VCF-style: chr14-21775986-AG-A.
Other names: short protein forms V300fs.
Identifiers: ClinVar variation 1451134 (VCV001451134.6), dbSNP rs1566674893, ClinGen allele CA919371612.

ClinVar aggregate classification (germline): Pathogenic (1 of 4 stars; one submission).

Conditions:
Cone-rod dystrophy 13 (CORD13). Identifiers: Orphanet 1872, MedGen C2750720, MONDO:0011987, OMIM 608194.
Leber congenital amaurosis 6 (LCA6). Identifiers: Orphanet 65, MedGen C1854260, MONDO:0013446, OMIM 613826.

Allele frequency attached by ClinVar (database versions not stated): gnomAD exomes below 0.00001 and 0.00001.

Submission:

Labcorp Genetics (formerly Invitae), Labcorp
Classification: Pathogenic for Leber congenital amaurosis 6; Cone-rod dystrophy 13. Last evaluated: 2021-07-28. Review status: criteria provided, single submitter. Criteria: Invitae Variant Classification Sherloc (09022015). Collection method: clinical testing. Allele origin: germline.
Comment: For these reasons, this variant has been classified as Pathogenic. This premature translational stop signal has been observed in individual(s) with Leber congenital amaurosis (Invitae). This sequence change creates a premature translational stop signal (p.Val300Phefs*16) in the RPGRIP1 gene. It is expected to result in an absent or disrupted protein product. Loss-of-function variants in RPGRIP1 are known to be pathogenic (PMID: 11528500, 23105016). This variant is not present in population databases (ExAC no frequency).

Literature cited by the submitters: PubMed 11528500; PubMed 23105016.